The following is an entry in ClinVar:

NM_000426.4(LAMA2):c.6691C>G (p.Arg2231Gly)

Gene: LAMA2 (laminin subunit alpha 2; plus strand). Cytogenetic location: 6q22.33.
Variant type: single nucleotide variant.
Coding change: c.6691C>G on transcript NM_000426.4 (MANE Select); coding-DNA position 6691, C replaced by G.
Protein change: p.Arg2231Gly; replaces arginine 2231 with glycine.
Molecular consequence: missense variant.
Genome position (GRCh38, 1-based): chr6:129,454,272, C>G. VCF-style: chr6-129454272-C-G. GRCh37 (hg19) VCF-style: chr6-129775417-C-G.
Other names: c.6691C>G, p.Arg2231Gly (NM_001079823.2); short protein forms R2231G.
Identifiers: ClinVar variation 543865 (VCV000543865.9), dbSNP rs374815503, ClinGen allele CA146884367.

ClinVar aggregate classification (germline): Uncertain significance. Review status: criteria provided, multiple submitters, no conflicts (2 of 4 stars). 2 submissions from 2 submitters: Uncertain significance (2). Last evaluated 2024-12-26.

Conditions:
LAMA2-related muscular dystrophy (LAMA2-RD). Also called: Laminin alpha 2-related dystrophy. Identifiers: MedGen C5679788, MONDO:0100228.

gnomAD v4.1: 12 of 1,610,718 alleles (0.00075%); highest among the groups gnomAD compares: African/African-American, 0.013%; no homozygotes.

Submissions (2):

Labcorp Genetics (formerly Invitae), Labcorp
Classification: Uncertain significance for LAMA2-related muscular dystrophy. Last evaluated: 2024-12-26. Review status: criteria provided, single submitter. Criteria: Invitae Variant Classification Sherloc (09022015). Collection method: clinical testing. Allele origin: germline.
Comment: This sequence change replaces arginine, which is basic and polar, with glycine, which is neutral and non-polar, at codon 2231 of the LAMA2 protein (p.Arg2231Gly). This variant is present in population databases (no rsID available, gnomAD 0.003%). This variant has not been reported in the literature in individuals affected with LAMA2-related conditions. ClinVar contains an entry for this variant (Variation ID: 543865). Invitae Evidence Modeling of protein sequence and biophysical properties (such as structural, functional, and spatial information, amino acid conservation, physicochemical variation, residue mobility, and thermodynamic stability) indicates that this missense variant is not expected to disrupt LAMA2 protein function with a negative predictive value of 95%. Algorithms developed to predict the effect of sequence changes on RNA splicing suggest that this variant may create or strengthen a splice site. In summary, the available evidence is currently insufficient to determine the role of this variant in disease. Therefore, it has been classified as a Variant of Uncertain Significance.

Revvity Omics, Revvity
Classification: Uncertain significance. Last evaluated: 2019-11-18. Review status: criteria provided, single submitter. Criteria: ACMG Guidelines, 2015. Collection method: clinical testing. Allele origin: germline.